The following is an entry in ClinVar:

ClinVar aggregate classification (germline): Benign. Review status: criteria provided, multiple submitters, no conflicts (2 of 4 stars). 2 submissions from 2 submitters: Benign (2). Last evaluated 2018-01-12.

Conditions:
Neurodegeneration with brain iron accumulation 4 (NBIA4). Also called: MITOCHONDRIAL PROTEIN-ASSOCIATED NEURODEGENERATION. Identifiers: Orphanet 289560, MedGen C3280371, MONDO:0013674, OMIM 614298. Disease mechanism: loss of function.

Allele frequency attached by ClinVar (database versions not stated): gnomAD exomes 0.55045 and 0.61366; ExAC 0.55466; 1000 Genomes Project 0.61761; TOPMed 0.68686; gnomAD 0.71321.
gnomAD v4.1: 275,514 of 426,884 alleles (65%); highest among the groups gnomAD compares: African/African-American, 78%; 84,345 homozygotes.

Submissions (2):

Illumina Laboratory Services, Illumina
Classification: Benign for Neurodegeneration with brain iron accumulation 4. Last evaluated: 2018-01-12. Review status: criteria provided, single submitter. Criteria: ICSL Variant Classification Criteria 13 December 2019. Collection method: clinical testing. Allele origin: germline.
Comment: This variant was observed in the ICSL laboratory as part of a predisposition screen in an ostensibly healthy population. It had not been previously curated by ICSL or reported in the Human Gene Mutation Database (HGMD: prior to June 1st, 2018), and was therefore a candidate for classification through an automated scoring system. Utilizing variant allele frequency, disease prevalence and penetrance estimates, and inheritance mode, an automated score was calculated to assess if this variant is too frequent to cause the disease. Based on the score and internal cut-off values, a variant classified as benign is not then subjected to further curation. The score for this variant resulted in a classification of benign for this disease.

Breakthrough Genomics
Classification: Benign. Review status: criteria provided, single submitter. Criteria: ACMG Guidelines, 2015. Collection method: not provided. Allele origin: germline. Inheritance: Autosomal recessive inheritance. Affected: yes.

NM_031448.6(C19orf12):c.*1020C>A

Gene: C19orf12 (chromosome 19 open reading frame 12; minus strand). Cytogenetic location: 19q12.
Variant type: single nucleotide variant.
Coding change: c.*1020C>A on transcript NM_031448.6 (MANE Select); 1020 bases downstream of the stop codon, C replaced by A.
Molecular consequence: 3 prime UTR variant.
Genome position (GRCh38, 1-based): chr19:29,701,692, G>T on the plus strand (C>A on the coding strand, the complement: C19orf12 is on the minus strand). VCF-style: chr19-29701692-G-T. GRCh37 (hg19) VCF-style: chr19-30192599-G-T.
Other names: c.*1020C>A (NM_001031726.4, NM_001256047.2, NM_001282929.1 and 2 more transcripts); c.*1067C>A (NM_001256046.3).
Identifiers: ClinVar variation 328712 (VCV000328712.6), dbSNP rs1140197, ClinGen allele CA9351773.